The following is an entry in ClinVar:

ClinVar aggregate classification (germline): Uncertain significance. Review status: criteria provided, multiple submitters, no conflicts (2 of 4 stars). 3 submissions from 3 submitters: Uncertain significance (3). Last evaluated 2024-12-03.

Allele frequency attached by ClinVar (database versions not stated): ExAC 0.00007; ESP Exome Variant Server 0.00008.
gnomAD v4.1: 121 of 1,613,474 alleles (0.0075%); highest among the groups gnomAD compares: East Asian, 0.022%; no homozygotes.

Submissions (3):

Women's Health and Genetics/Laboratory Corporation of America, LabCorp
Classification: Uncertain significance. Last evaluated: 2024-12-03. Review status: criteria provided, single submitter. Criteria: LabCorp Variant Classification Summary - May 2015. Collection method: clinical testing. Allele origin: germline.
Comment: Variant summary: OBSL1 c.3004G>A (p.Val1002Met) results in a conservative amino acid change located in the Ig-like domain (IPR007110) of the encoded protein sequence. Four of five in-silico tools predict a benign effect of the variant on protein function. The variant allele was found at a frequency of 9.2e-05 in 249152 control chromosomes. This frequency is not significantly higher than estimated for a pathogenic variant in OBSL1 causing Three M Syndrome 2 (9.2e-05 vs 0.0011), allowing no conclusion about variant significance. To our knowledge, no occurrence of c.3004G>A in individuals affected with Three M Syndrome 2 and no experimental evidence demonstrating its impact on protein function have been reported. ClinVar contains an entry for this variant (Variation ID: 2414745). Based on the evidence outlined above, the variant was classified as uncertain significance.

Blueprint Genetics
Classification: Uncertain significance. Last evaluated: 2024-01-11. Review status: criteria provided, single submitter. Criteria: ACMG Guidelines, 2015. Collection method: clinical testing. Allele origin: germline.

Labcorp Genetics (formerly Invitae), Labcorp
Classification: Uncertain significance. Last evaluated: 2022-02-07. Review status: criteria provided, single submitter. Criteria: Invitae Variant Classification Sherloc (09022015). Collection method: clinical testing. Allele origin: germline.
Comment: In summary, the available evidence is currently insufficient to determine the role of this variant in disease. Therefore, it has been classified as a Variant of Uncertain Significance. Algorithms developed to predict the effect of missense changes on protein structure and function are either unavailable or do not agree on the potential impact of this missense change (SIFT: "Tolerated"; PolyPhen-2: "Probably Damaging"; Align-GVGD: "Class C0"). This variant has not been reported in the literature in individuals affected with OBSL1-related conditions. The frequency data for this variant in the population databases is considered unreliable, as metrics indicate poor data quality at this position in the gnomAD database. This sequence change replaces valine, which is neutral and non-polar, with methionine, which is neutral and non-polar, at codon 1002 of the OBSL1 protein (p.Val1002Met).

NM_015311.3(OBSL1):c.3004G>A (p.Val1002Met)

Gene: OBSL1 (obscurin like cytoskeletal adaptor 1; minus strand). Cytogenetic location: 2q35.
Variant type: single nucleotide variant.
Coding change: c.3004G>A on transcript NM_015311.3 (MANE Select); coding-DNA position 3004, G replaced by A.
Protein change: p.Val1002Met; replaces valine 1002 with methionine.
Molecular consequence: missense variant.
Genome position (GRCh38, 1-based): chr2:219,559,447, C>T on the plus strand (G>A on the coding strand, the complement: OBSL1 is on the minus strand). VCF-style: chr2-219559447-C-T. GRCh37 (hg19) VCF-style: chr2-220424169-C-T.
Other names: c.3004G>A, p.Val1002Met (NM_001173431.2); short protein forms V1002M.
Identifiers: ClinVar variation 2414745 (VCV002414745.6), dbSNP rs374188902, ClinGen allele CA2130993.